The following is an entry in ClinVar:

NM_014305.4(TGDS):c.885-2A>G

Gene: TGDS (TDP-glucose 4,6-dehydratase; minus strand). Cytogenetic location: 13q32.1.
Variant type: single nucleotide variant.
Coding change: c.885-2A>G on transcript NM_014305.4 (MANE Select); the canonical splice acceptor site of the intron before coding-DNA position 885, A replaced by G.
Molecular consequence: splice acceptor variant.
Genome position (GRCh38, 1-based): chr13:94,576,413, T>C on the plus strand (A>G on the coding strand, the complement: TGDS is on the minus strand). VCF-style: chr13-94576413-T-C. GRCh37 (hg19) VCF-style: chr13-95228667-T-C.
Other names: c.789-2A>G (NM_001304430.2).
Identifiers: ClinVar variation 5005274 (VCV005005274.2).

ClinVar aggregate classification (germline): Likely pathogenic (1 of 4 stars; one submission).

Conditions:
Catel-Manzke syndrome. Also called: MICROGNATHIA DIGITAL SYNDROME; PIERRE ROBIN SYNDROME WITH HYPERPHALANGY AND CLINODACTYLY; HYPERPHALANGY-CLINODACTYLY OF INDEX FINGER WITH PIERRE ROBIN SYNDROME; INDEX FINGER ANOMALY WITH PIERRE ROBIN SYNDROME. Identifiers: Orphanet 1388, MedGen C1844887, MONDO:0014507, OMIM 616145.

gnomAD v4.1: 1 of 1,571,212 alleles (0.000064%); highest among the groups gnomAD compares: East Asian, 0.0023%; no homozygotes.

Submission:

Juno Genomics, Hangzhou Juno Genomics, Inc
Classification: Likely pathogenic for Catel-Manzke syndrome. Review status: criteria provided, single submitter. Criteria: ACMG Guidelines, 2015. Collection method: clinical testing. Allele origin: germline.
Comment: Null variant in a gene where loss of function (LOF) is a known mechanism of disease.;Absent from controls (or at extremely low frequency if recessive) in Genome Aggregation Database.